The following is an entry in ClinVar:

ClinVar aggregate classification (germline): Uncertain significance (1 of 4 stars; one submission).

gnomAD v4.1: 8 of 1,614,194 alleles (0.0005%); highest among the groups gnomAD compares: Non-Finnish European, 0.00068%; no homozygotes.

Submission:

Labcorp Genetics (formerly Invitae), Labcorp
Classification: Uncertain significance. Last evaluated: 2024-03-27. Review status: criteria provided, single submitter. Criteria: Invitae Variant Classification Sherloc (09022015). Collection method: clinical testing. Allele origin: germline.
Comment: This sequence change replaces threonine, which is neutral and polar, with arginine, which is basic and polar, at codon 160 of the VIPAS39 protein (p.Thr160Arg). This variant is not present in population databases (gnomAD no frequency). This variant has not been reported in the literature in individuals affected with VIPAS39-related conditions. Advanced modeling of protein sequence and biophysical properties (such as structural, functional, and spatial information, amino acid conservation, physicochemical variation, residue mobility, and thermodynamic stability) performed at Invitae indicates that this missense variant is expected to disrupt VIPAS39 protein function with a positive predictive value of 80%. In summary, the available evidence is currently insufficient to determine the role of this variant in disease. Therefore, it has been classified as a Variant of Uncertain Significance.

NM_001193315.2(VIPAS39):c.479C>G (p.Thr160Arg)

Gene: VIPAS39 (VPS33B interacting protein, apical-basolateral polarity regulator, spe-39 homolog; minus strand). Cytogenetic location: 14q24.3.
Variant type: single nucleotide variant.
Coding change: c.479C>G on transcript NM_001193315.2 (MANE Select); coding-DNA position 479, C replaced by G.
Protein change: p.Thr160Arg; replaces threonine 160 with arginine.
Molecular consequence: missense variant. On other transcripts: non-coding transcript variant (1).
Genome position (GRCh38, 1-based): chr14:77,448,519, G>C on the plus strand (C>G on the coding strand, the complement: VIPAS39 is on the minus strand). VCF-style: chr14-77448519-G-C. GRCh37 (hg19) VCF-style: chr14-77914862-G-C.
Other names: c.479C>G, p.Thr160Arg (NM_001400326.1, NM_001400327.1, NM_001400330.1 and 11 more transcripts); c.332C>G, p.Thr111Arg (NM_001400337.1, NM_001193316.2, NM_001400324.1 and 1 more transcripts); short protein forms T111R, T160R.
Identifiers: ClinVar variation 3614049 (VCV003614049.2).